The following is an entry in ClinVar:

ClinVar aggregate classification (germline): Uncertain significance (1 of 4 stars; one submission).

Conditions:
Ullrich congenital muscular dystrophy 2 (UCMD2). Identifiers: Orphanet 75840, MedGen C4225314, MONDO:0014654, OMIM 616470.
Bethlem myopathy 2 (BTHLM2). Identifiers: Orphanet 536516, Orphanet 610, MedGen C4225313, MONDO:0034022, OMIM 616471.

Allele frequency attached by ClinVar (database versions not stated): ExAC 0.00001.
gnomAD v4.1: 2 of 1,613,382 alleles (0.00012%); highest among the groups gnomAD compares: Admixed American, 0.0017%; no homozygotes.

Submission:

Labcorp Genetics (formerly Invitae), Labcorp
Classification: Uncertain significance for Bethlem myopathy 2; Ullrich congenital muscular dystrophy 2. Last evaluated: 2024-06-03. Review status: criteria provided, single submitter. Criteria: Invitae Variant Classification Sherloc (09022015). Collection method: clinical testing. Allele origin: germline.
Comment: This sequence change replaces aspartic acid, which is acidic and polar, with valine, which is neutral and non-polar, at codon 201 of the COL12A1 protein (p.Asp201Val). This variant is present in population databases (rs769261241, gnomAD 0.003%). This variant has not been reported in the literature in individuals affected with COL12A1-related conditions. ClinVar contains an entry for this variant (Variation ID: 1998885). Advanced modeling of protein sequence and biophysical properties (such as structural, functional, and spatial information, amino acid conservation, physicochemical variation, residue mobility, and thermodynamic stability) performed at Invitae indicates that this missense variant is not expected to disrupt COL12A1 protein function with a negative predictive value of 80%. In summary, the available evidence is currently insufficient to determine the role of this variant in disease. Therefore, it has been classified as a Variant of Uncertain Significance.

NM_004370.6(COL12A1):c.602A>T (p.Asp201Val)

Gene: COL12A1 (collagen type XII alpha 1 chain; minus strand). Cytogenetic location: 6q13.
Variant type: single nucleotide variant.
Coding change: c.602A>T on transcript NM_004370.6 (MANE Select); coding-DNA position 602, A replaced by T.
Protein change: p.Asp201Val; replaces aspartic acid 201 with valine.
Molecular consequence: missense variant. On other transcripts: intron variant (1).
Genome position (GRCh38, 1-based): chr6:75,189,608, T>A on the plus strand (A>T on the coding strand, the complement: COL12A1 is on the minus strand). VCF-style: chr6-75189608-T-A. GRCh37 (hg19) VCF-style: chr6-75899324-T-A.
Other names: c.73+13112A>T (NM_080645.3); short protein forms D201V.
Identifiers: ClinVar variation 1998885 (VCV001998885.4), dbSNP rs769261241, ClinGen allele CA3894394.
Genomic context (GRCh38, chr6:75,189,608, plus strand): 5'-ATACCTGTCATTGTGTTGCCACCTTTATATGGAATTTTTTTTATTGCAGCAAGAAGTTCA[T>A]CCCTTTGGTAGTACTGATTTAAGTTAAATTCAGTCCTGGTATCAGAGCTGTATTGAACAA-3'
Protein context (NP_004361.3, residues 191-211): EFNLNQYYQR[Asp201Val]ELLAAIKKIP